The following is an entry in ClinVar:

NM_006136.3(CAPZA2):c.149C>G (p.Ala50Gly)

Gene: CAPZA2 (capping actin protein of muscle Z-line subunit alpha 2; plus strand). Cytogenetic location: 7q31.2.
Variant type: single nucleotide variant.
Coding change: c.149C>G on transcript NM_006136.3 (MANE Select); coding-DNA position 149, C replaced by G.
Protein change: p.Ala50Gly; replaces alanine 50 with glycine.
Molecular consequence: missense variant.
Genome position (GRCh38, 1-based): chr7:116,893,039, C>G. VCF-style: chr7-116893039-C-G. GRCh37 (hg19) VCF-style: chr7-116533093-C-G.
Other names: short protein forms A50G.
Identifiers: ClinVar variation 3365680 (VCV003365680.1).

ClinVar aggregate classification (germline): Uncertain significance (1 of 4 stars; one submission).

Submission:

GeneDx
Classification: Uncertain significance. Last evaluated: 2023-12-12. Review status: criteria provided, single submitter. Criteria: GeneDx Variant Classification Process June 2021. Collection method: clinical testing. Allele origin: germline. Affected: yes.
Comment: Has not been previously published as pathogenic or benign to our knowledge; Not observed at significant frequency in large population cohorts (gnomAD); In silico analysis supports that this missense variant has a deleterious effect on protein structure/function